The following is an entry in ClinVar:

NM_206937.2(LIG4):c.1904A>G (p.Lys635Arg)

Gene: LIG4 (DNA ligase 4; minus strand). Cytogenetic location: 13q33.3.
Variant type: single nucleotide variant.
Coding change: c.1904A>G on transcript NM_206937.2 (MANE Select); coding-DNA position 1904, A replaced by G.
Protein change: p.Lys635Arg; replaces lysine 635 with arginine.
Molecular consequence: missense variant.
Genome position (GRCh38, 1-based): chr13:108,209,365, T>C on the plus strand (A>G on the coding strand, the complement: LIG4 is on the minus strand). VCF-style: chr13-108209365-T-C. GRCh37 (hg19) VCF-style: chr13-108861713-T-C.
Other names: c.1904A>G, p.Lys635Arg (NM_001098268.2, NM_001352598.2, NM_001352599.2 and 6 more transcripts); c.1703A>G, p.Lys568Arg (NM_001330595.2); c.1940A>G, p.Lys647Arg (NM_001352604.2); short protein forms K568R, K635R, K647R.
Identifiers: ClinVar variation 1302057 (VCV001302057.3), dbSNP rs1433231909, ClinGen allele CA388615469.

ClinVar aggregate classification (germline): Uncertain significance (1 of 4 stars; one submission).

Allele frequency attached by ClinVar (database versions not stated): TOPMed below 0.00001; gnomAD exomes 0.00001.
gnomAD v4.1: 3 of 1,614,018 alleles (0.00019%); highest among the groups gnomAD compares: Admixed American, 0.0033%; no homozygotes.

Submission:

GeneDx
Classification: Uncertain significance. Last evaluated: 2022-03-17. Review status: criteria provided, single submitter. Criteria: GeneDx Variant Classification Process June 2021. Collection method: clinical testing. Allele origin: germline. Affected: yes.
Comment: Not observed at significant frequency in large population cohorts (gnomAD); In silico analysis supports that this missense variant does not alter protein structure/function; Has not been previously published as pathogenic or benign to our knowledge